The following is an entry in ClinVar:

NM_001164508.2(NEB):c.6078del (p.Lys2026fs)

Gene: NEB (nebulin; minus strand). Cytogenetic location: 2q23.3.
Variant type: Deletion.
Coding change: c.6078del on transcript NM_001164508.2 (MANE Select); coding-DNA position 6078, one base deleted (A; older notation c.6078delA).
Protein change: p.Lys2026fs; shifts the reading frame from lysine 2026.
Molecular consequence: frameshift variant.
Genome position (GRCh38, 1-based): chr2:151,658,088, T deleted on the plus strand (A on the coding strand, the reverse complement: NEB is on the minus strand); the first of 3 consecutive T bases (chr2:151,658,088-151,658,090); deleting any one gives the same sequence. VCF-style (leftmost placement, unchanged base first): chr2-151658087-GT-G. GRCh37 (hg19) VCF-style: chr2-152514601-GT-G.
Other names: c.6078del, p.Lys2026fs (NM_001164507.2, NM_001271208.2, NM_004543.5); short protein forms K2026fs.
Identifiers: ClinVar variation 370777 (VCV000370777.19), dbSNP rs1057516758, ClinGen allele CA16040852.

ClinVar aggregate classification (germline): Pathogenic/Likely pathogenic. Review status: criteria provided, multiple submitters, no conflicts (2 of 4 stars). 5 submissions from 5 submitters: Pathogenic (3); Likely pathogenic (1). 1 of the submissions does not count toward it. Last evaluated 2025-05-13.

Conditions:
Arthrogryposis multiplex congenita 6. Identifiers: MedGen C5543431, MONDO:0030281, OMIM 619334.
Nemaline myopathy 2 (NEM2). Also called: Nemaline myopathy 2, autosomal recessive. Identifiers: MedGen C1850569, MONDO:0009725, OMIM 256030.

Submissions (5):

Natera, Inc.
Classification: Pathogenic for Nemaline myopathy type 2. Last evaluated: 2025-05-13. Review status: criteria provided, single submitter. Criteria: Natera Variant Classification Schema (03/2026). Collection method: clinical testing. Allele origin: germline.
Comment: The c.6078del variant in NEB is a frameshift variant predicted to shift the reading frame beginning at codon 2026 and leads to a stop codon 62 codons downstream. This variant is expected to result in nonsense mediated decay, truncation, or a dysfunctional protein product. This variant is rare in the general population with a frequency below the threshold expected for the associated phenotype(s). This variant has been observed in one or more individuals affected with the associated recessive disease, as either homozygous or compound heterozygous with a second variant (PMID: 16917880, 25205138, 36233295). Given the available evidence, this variant is classified as Pathogenic.

Dasa
Classification: Pathogenic. Last evaluated: 2025-03-12. Review status: criteria provided, single submitter. Criteria: DASA Assertion Criteria. Collection method: clinical testing. Allele origin: germline.
Comment: NM_001164508.2(NEB):c.6078del (p.Lys2026Asnfs*62) introduces a premature termination codon predicted to result in loss of normal protein function. Loss-of-function is an established mechanism of disease for this gene. This variant has been recurrently observed in affected individuals with related phenotype in a genotype context consistent with recessive disease (PMID: 16917880; PMID: 25205138). The variant is present at low frequency in population datasets. Based on the available data, this variant is classified as pathogenic.

Fulgent Genetics
Classification: Likely pathogenic for Nemaline myopathy 2; Arthrogryposis multiplex congenita 6. Last evaluated: 2024-06-01. Review status: criteria provided, single submitter. Criteria: ACMG Guidelines, 2015. Collection method: clinical testing. Allele origin: germline.

Labcorp Genetics (formerly Invitae), Labcorp
Classification: Pathogenic for Nemaline myopathy 2. Last evaluated: 2024-02-11. Review status: criteria provided, single submitter. Criteria: Invitae Variant Classification Sherloc (09022015). Collection method: clinical testing. Allele origin: germline.
Comment: This sequence change creates a premature translational stop signal (p.Lys2026Asnfs*62) in the NEB gene. It is expected to result in an absent or disrupted protein product. Loss-of-function variants in NEB are known to be pathogenic (PMID: 25205138). This variant is not present in population databases (gnomAD no frequency). This premature translational stop signal has been observed in individual(s) with nemaline myopathy (PMID: 16917880, 25205138). ClinVar contains an entry for this variant (Variation ID: 370777). For these reasons, this variant has been classified as Pathogenic.

Counsyl
Classification: Likely pathogenic for Nemaline myopathy 2. Last evaluated: 2016-04-12. Review status: no assertion criteria provided. Collection method: clinical testing. Allele origin: unknown. Not counted in ClinVar's aggregate classification.

Literature cited by the submitters: PubMed 16917880 (cited by 4 submitters); PubMed 25205138 (cited by 4 submitters); PubMed 36233295 (cited by Natera, Inc.).